The following is an entry in ClinVar:

NM_020832.3(ZNF687):c.873G>T (p.Glu291Asp)

Gene: ZNF687 (zinc finger protein 687; plus strand). Cytogenetic location: 1q21.3.
Variant type: single nucleotide variant.
Coding change: c.873G>T on transcript NM_020832.3 (MANE Select); coding-DNA position 873, G replaced by T.
Protein change: p.Glu291Asp; replaces glutamic acid 291 with aspartic acid.
Molecular consequence: missense variant.
Genome position (GRCh38, 1-based): chr1:151,287,164, G>T. VCF-style: chr1-151287164-G-T. GRCh37 (hg19) VCF-style: chr1-151259640-G-T.
Other names: c.873G>T, p.Glu291Asp (NM_001304763.2, NM_001304764.2); c.873G>T (NM_020832.1); short protein forms E291D.
Identifiers: ClinVar variation 1896990 (VCV001896990.4), dbSNP rs747604821, ClinGen allele CA1088238.

ClinVar aggregate classification (germline): Uncertain significance. Review status: criteria provided, multiple submitters, no conflicts (2 of 4 stars). 2 submissions from 2 submitters: Uncertain significance (2). Last evaluated 2023-03-01.

Allele frequency attached by ClinVar (database versions not stated): ExAC 0.00003.
gnomAD v4.1: 15 of 1,614,070 alleles (0.00093%); highest among the groups gnomAD compares: East Asian, 0.031%; no homozygotes.

Submissions (2):

Ambry Genetics
Classification: Uncertain significance. Last evaluated: 2023-03-01. Review status: criteria provided, single submitter. Criteria: Ambry Variant Classification Scheme 2023. Collection method: clinical testing. Allele origin: germline.

Labcorp Genetics (formerly Invitae), Labcorp
Classification: Uncertain significance. Last evaluated: 2022-02-09. Review status: criteria provided, single submitter. Criteria: Invitae Variant Classification Sherloc (09022015). Collection method: clinical testing. Allele origin: germline.
Comment: This sequence change replaces glutamic acid, which is acidic and polar, with aspartic acid, which is acidic and polar, at codon 291 of the ZNF687 protein (p.Glu291Asp). This variant is present in population databases (rs747604821, gnomAD 0.08%), and has an allele count higher than expected for a pathogenic variant. This variant has not been reported in the literature in individuals affected with ZNF687-related conditions. Algorithms developed to predict the effect of missense changes on protein structure and function (SIFT, PolyPhen-2, Align-GVGD) all suggest that this variant is likely to be tolerated. In summary, the available evidence is currently insufficient to determine the role of this variant in disease. Therefore, it has been classified as a Variant of Uncertain Significance.